The following is an entry in ClinVar:

NM_201548.5(CERKL):c.760G>T (p.Glu254Ter)

Gene: CERKL (CERK like autophagy regulator; minus strand). Cytogenetic location: 2q31.3.
Variant type: single nucleotide variant.
Coding change: c.760G>T on transcript NM_201548.5 (MANE Select); coding-DNA position 760, G replaced by T.
Protein change: p.Glu254Ter; replaces glutamic acid 254 with a stop codon.
Molecular consequence: nonsense. On other transcripts: non-coding transcript variant (2), intron variant (2).
Genome position (GRCh38, 1-based): chr2:181,558,626, C>A on the plus strand (G>T on the coding strand, the complement: CERKL is on the minus strand). VCF-style: chr2-181558626-C-A. GRCh37 (hg19) VCF-style: chr2-182423353-C-A.
Other names: c.838G>T, p.Glu280Ter (NM_001030311.3); c.706G>T, p.Glu236Ter (NM_001160277.2); c.482-8918G>T (NM_001030312.3); c.614-8918G>T (NM_001030313.3); short protein forms E236*, E254*, E280*.
Identifiers: ClinVar variation 838239 (VCV000838239.12), dbSNP rs1688308445, ClinGen allele CA349740491.

ClinVar aggregate classification (germline): Pathogenic/Likely pathogenic. Review status: criteria provided, multiple submitters, no conflicts (2 of 4 stars). 5 submissions from 5 submitters: Pathogenic (3); Likely pathogenic (2). Last evaluated 2025-04-07.

Conditions:
CERKL-related disorders.
Retinitis pigmentosa 26 (RP26). Identifiers: Orphanet 791, MedGen C1842127, MONDO:0012024, OMIM 608380.

Submissions (5):

Natera, Inc.
Classification: Likely pathogenic for Retinitis Pigmentosa 26. Last evaluated: 2025-04-07. Review status: criteria provided, single submitter. Criteria: Natera Variant Classification Schema (03/2026). Collection method: clinical testing. Allele origin: germline.
Comment: The c.838G>T variant in CERKL is a nonsense variant predicted to introduce a stop codon at amino acid 280. This variant is expected to result in nonsense mediated decay, truncation, or a dysfunctional protein product. This variant is rare in the general population with a frequency below the threshold expected for the associated phenotype(s). Given the available evidence, this variant is classified as Likely Pathogenic.

Fulgent Genetics
Classification: Likely pathogenic for Retinitis pigmentosa 26. Last evaluated: 2024-02-19. Review status: criteria provided, single submitter. Criteria: ACMG Guidelines, 2015. Collection method: clinical testing. Allele origin: germline.

Blueprint Genetics
Classification: Pathogenic for CERKL-related disorders. Last evaluated: 2022-06-14. Review status: criteria provided, single submitter. Criteria: ACMG Guidelines, 2015. Collection method: clinical testing. Allele origin: germline. Affected: yes. Observed: 2 variant alleles.

Labcorp Genetics (formerly Invitae), Labcorp
Classification: Pathogenic. Last evaluated: 2020-11-26. Review status: criteria provided, single submitter. Criteria: Invitae Variant Classification Sherloc (09022015). Collection method: clinical testing. Allele origin: germline.
Comment: For these reasons, this variant has been classified as Pathogenic. This variant has not been reported in the literature in individuals with CERKL-related conditions. ClinVar contains an entry for this variant (Variation ID: 838239). This variant is not present in population databases (ExAC no frequency). This sequence change creates a premature translational stop signal (p.Glu280*) in the CERKL gene. It is expected to result in an absent or disrupted protein product. Loss-of-function variants in CERKL are known to be pathogenic (PMID: 14681825, 24043777).

Kariminejad - Najmabadi Pathology & Genetics Center
Classification: Pathogenic for Retinitis pigmentosa 26. Review status: criteria provided, single submitter. Criteria: ACMG Guidelines, 2015. Collection method: clinical testing. Allele origin: germline. Affected: no.

Literature cited by the submitters: PubMed 14681825 (cited by Labcorp Genetics (formerly Invitae), Labcorp); PubMed 24043777 (cited by Labcorp Genetics (formerly Invitae), Labcorp).